The following is an entry in ClinVar:

NM_001291088.2(WDR87):c.6747A>G (p.Lys2249=)

Gene: WDR87 (WD repeat domain 87; minus strand). Cytogenetic location: 19q13.13.
Variant type: single nucleotide variant.
Coding change: c.6747A>G on transcript NM_001291088.2 (MANE Select); coding-DNA position 6747, A replaced by G.
Protein change: p.Lys2249=; no amino-acid change (lysine 2249 retained).
Molecular consequence: synonymous variant.
Genome position (GRCh38, 1-based): chr19:37,886,924, T>C on the plus strand (A>G on the coding strand, the complement: WDR87 is on the minus strand). VCF-style: chr19-37886924-T-C. GRCh37 (hg19) VCF-style: chr19-38377564-T-C.
Other names: c.6630A>G, p.Lys2210= (NM_031951.5).
Identifiers: ClinVar variation 677196 (VCV000677196.10), dbSNP rs7253969, ClinGen allele CA9408489.

ClinVar aggregate classification (germline): Benign. Review status: criteria provided, multiple submitters, no conflicts (2 of 4 stars). 3 submissions from 3 submitters: Benign (3). Last evaluated 2026-01-28.

Allele frequency attached by ClinVar (database versions not stated): gnomAD exomes 0.77818 and 0.81759; TOPMed 0.83571; ESP Exome Variant Server 0.80749; gnomAD 0.82440 and 0.82091; 1000 Genomes Project 30x 0.88460; ExAC 0.83036; 1000 Genomes Project 0.88159.
gnomAD v4.1: 1,214,990 of 1,551,390 alleles (78%); highest among the groups gnomAD compares: African/African-American, 94%; 478,658 homozygotes.

Submissions (3):

Labcorp Genetics (formerly Invitae), Labcorp
Classification: Benign. Last evaluated: 2026-01-28. Review status: criteria provided, single submitter. Criteria: Invitae Variant Classification Sherloc (09022015). Collection method: clinical testing. Allele origin: germline.

GeneDx
Classification: Benign. Last evaluated: 2018-03-24. Review status: criteria provided, single submitter. Criteria: GeneDx Variant Classification (06012015). Collection method: clinical testing. Allele origin: germline. Affected: yes.
Comment: This variant is considered likely benign or benign based on one or more of the following criteria: it is a conservative change, it occurs at a poorly conserved position in the protein, it is predicted to be benign by multiple in silico algorithms, and/or has population frequency not consistent with disease.

Breakthrough Genomics
Classification: Benign. Review status: criteria provided, single submitter. Criteria: ACMG Guidelines, 2015. Collection method: not provided. Allele origin: germline. Inheritance: Unknown mechanism. Affected: yes.